The following is an entry in ClinVar:

ClinVar aggregate classification (germline): Likely pathogenic (1 of 4 stars; one submission).

Conditions:
X-linked severe combined immunodeficiency (SCIDX1). Also called: IMMUNODEFICIENCY 4; SCID, X-LINKED; SEVERE COMBINED IMMUNODEFICIENCY, X-LINKED, T CELL-NEGATIVE, B CELL-POSITIVE, NK CELL-NEGATIVE; T-B+ severe combined immunodeficiency due to gamma chain deficiency; X-Linked Combined Immunodeficiency Diseases. Identifiers: Orphanet 276, MedGen C6022468, MONDO:0010315, OMIM 300400. Disease mechanism: loss of function.

Submission:

Myriad Genetics, Inc.
Classification: Likely pathogenic for X-linked severe combined immunodeficiency. Last evaluated: 2022-01-25. Review status: criteria provided, single submitter. Criteria: Myriad Women's Health Autosomal Recessive and X-Linked Classification Criteria (2021). Collection method: clinical testing. Allele origin: unknown.
Comment: NM_000206.2(IL2RG):c.489_490delCA(H163Qfs*4) is expected to be pathogenic in the context of X-linked severe combined immunodeficiency. This variant is predicted to lead to an abnormal or absent protein product due to the creation of a premature termination codon in IL2RG, a gene where loss-of-function variants are known to be pathogenic. Please note: this variant was assessed in the context of healthy population screening.

NM_000206.3(IL2RG):c.489_490del (p.His163fs)

Gene: IL2RG (interleukin 2 receptor subunit gamma; minus strand). Cytogenetic location: Xq13.1.
Variant type: Microsatellite.
Coding change: c.489_490del on transcript NM_000206.3 (MANE Select); coding-DNA positions 489 to 490, 2 bases deleted (CA; older notation c.489_490delCA).
Protein change: p.His163fs; shifts the reading frame from histidine 163.
Molecular consequence: frameshift variant.
Genome position (GRCh38, 1-based): chrX:71,110,260-71,110,261, TG deleted on the plus strand (CA on the coding strand, the reverse complement: IL2RG is on the minus strand); deleting any 2 consecutive bases within chrX:71,110,260-71,110,263 gives the same sequence; the c. name uses the placement nearest the transcript's 3' end. VCF-style (leftmost placement, unchanged base first): chrX-71110259-TTG-T. GRCh37 (hg19) VCF-style: chrX-70330109-TTG-T.
Other names: short protein forms H163fs.
Identifiers: ClinVar variation 1724084 (VCV001724084.2), dbSNP rs2519646713, ClinGen allele CA2579638345.